The following is an entry in ClinVar:

NM_001372076.1(PAX9):c.451C>T (p.Gln151Ter)

Gene: PAX9 (paired box 9; plus strand). Cytogenetic location: 14q13.3.
Variant type: single nucleotide variant.
Coding change: c.451C>T on transcript NM_001372076.1 (MANE Select); coding-DNA position 451, C replaced by T.
Protein change: p.Gln151Ter; replaces glutamine 151 with a stop codon.
Molecular consequence: nonsense.
Genome position (GRCh38, 1-based): chr14:36,663,343, C>T. VCF-style: chr14-36663343-C-T. GRCh37 (hg19) VCF-style: chr14-37132548-C-T.
Other names: c.451C>T, p.Gln151Ter (NM_006194.4); short protein forms Q151*.
Identifiers: ClinVar variation 1070666 (VCV001070666.7), dbSNP rs1261824175, ClinGen allele CA389466864.

ClinVar aggregate classification (germline): Pathogenic (1 of 4 stars; one submission).

Conditions:
Hypodontia. Also called: Partial congenital absence of teeth; TOOTH AGENESIS, FAMILIAL; Tooth agenesis, selective. Identifiers: Orphanet 99798, MedGen C0020608, MONDO:0005486, HP:0000668. Disease mechanism: loss of function.

Submission:

Labcorp Genetics (formerly Invitae), Labcorp
Classification: Pathogenic for Hypodontia. Last evaluated: 2020-01-25. Review status: criteria provided, single submitter. Criteria: Invitae Variant Classification Sherloc (09022015). Collection method: clinical testing. Allele origin: germline.
Comment: This variant has not been reported in the literature in individuals with PAX9-related conditions. This variant is not present in population databases (ExAC no frequency). This sequence change creates a premature translational stop signal (p.Gln151*) in the PAX9 gene. It is expected to result in an absent or disrupted protein product. Loss-of-function variants in PAX9 are known to be pathogenic (PMID: 14607846, 16236760, 16479262). For these reasons, this variant has been classified as Pathogenic.

Literature cited by the submitters: PubMed 14607846; PubMed 16236760; PubMed 16479262.